The following is an entry in ClinVar:

NM_007294.4(BRCA1):c.3722_3740del (p.Ser1241fs)

Genes: BRCA1 (BRCA1 DNA repair associated; minus strand), LOC126862571 (BRD4-independent group 4 enhancer GRCh37_chr17:41243136-41244335; plus strand). Cytogenetic location: 17q21.31.
Variant type: Deletion.
Coding change: c.3722_3740del on transcript NM_007294.4 (MANE Select); coding-DNA positions 3722 to 3740, 19 bases deleted (CTACTAGGCATAGCACCGT).
Protein change: p.Ser1241fs; shifts the reading frame from serine 1241.
Molecular consequence: frameshift variant. On other transcripts: intron variant (135).
Genome position (GRCh38, 1-based): chr17:43,091,791-43,091,809, ACGGTGCTATGCCTAGTAG deleted on the plus strand (CTACTAGGCATAGCACCGT on the coding strand, the reverse complement: BRCA1 is on the minus strand); deleting any 19 consecutive bases within chr17:43,091,791-43,091,811 gives the same sequence; the c. name uses the placement nearest the transcript's 3' end. VCF-style (leftmost placement, unchanged base first): chr17-43091790-AACGGTGCTATGCCTAGTAG-A. GRCh37 (hg19) VCF-style: chr17-41243807-AACGGTGCTATGCCTAGTAG-A.
Other names: 3841del19; c.3596_3614del, p.Ser1199fs (NM_001407940.1, NM_001407941.1, NM_001407649.1 and 11 more transcripts); c.3581_3599del, p.Ser1194fs (NM_001407942.1, NM_001407944.1, NM_001407945.1 and 29 more transcripts); c.3578_3596del, p.Ser1193fs (NM_001407943.1, NM_001407964.1, NM_001407740.1 and 20 more transcripts); c.3389_3407del, p.Ser1130fs (NM_001407946.1, NM_001407947.1, NM_001407948.1 and 6 more transcripts); c.3386_3404del, p.Ser1129fs (NM_001407954.1, NM_001407955.1, NM_001407956.1 and 1 more transcripts); c.3341_3359del, p.Ser1114fs (NM_001407959.1, NM_001407960.1, NM_001407963.1); c.3338_3356del, p.Ser1113fs (NM_001407962.1); and 44 more; short protein forms S1194fs, S1241fs, S1114fs, S1130fs, S1193fs, S1200fs, S1073fs, S1171fs.
Identifiers: ClinVar variation 54981 (VCV000054981.13), dbSNP rs80359882, ClinGen allele CA002388.
Genomic context (GRCh38, chr17:43,091,790, plus strand): 5'-TAAGCTATTCTTCAATGATAATAAATTCTCCTCTGTGTTCTTAGACAGACACTCGGTAGC[AACGGTGCTATGCCTAGTAG>A]ACTGAGAAGGTATATTGTTTACTTTACCAAATAACAAGTGTTGGAAGCAGGGAAGCTCTT-3'

ClinVar aggregate classification (germline): Pathogenic. Review status: reviewed by expert panel (3 of 4 stars). 6 submissions from 6 submitters: Pathogenic (1). 5 of the submissions do not count toward it. Last evaluated 2016-09-08.

Conditions:
Hereditary cancer-predisposing syndrome. Also called: Hereditary Cancer Syndrome; Hereditary neoplastic syndrome; Neoplastic Syndromes, Hereditary; Tumor predisposition. Identifiers: Orphanet 140162, MedGen C0027672, MeSH D009386, MONDO:0015356.
Hereditary breast ovarian cancer syndrome. Also called: BRCA1- and BRCA2-Associated Hereditary Breast and Ovarian Cancer; Hereditary breast and ovarian cancer syndrome; Hereditary breast and ovarian cancer syndrome (HBOC); Breast and ovarian cancer; Hereditary breast and/or ovarian cancer syndrome; Hereditary breast and ovarian cancer. Identifiers: Orphanet 145, MedGen C0677776, MeSH D061325, MONDO:0003582. Disease mechanism: loss of function.
Breast-ovarian cancer, familial, susceptibility to, 1 (BROVCA1). Also called: BRCA1 Hereditary Breast and Ovarian Cancer; OVARIAN CANCER, SUSCEPTIBILITY TO. Identifiers: Orphanet 145, MedGen C2676676, MONDO:0011450, OMIM 604370. Disease mechanism: loss of function.

Submissions (6):

Evidence-based Network for the Interpretation of Germline Mutant Alleles (ENIGMA)
Classification: Pathogenic for Breast-ovarian cancer, familial, susceptibility to, 1. Last evaluated: 2016-09-08. Review status: reviewed by expert panel. Criteria: ENIGMA BRCA1/2 Classification Criteria (2015). Collection method: curation. Allele origin: germline.
Comment: Variant allele predicted to encode a truncated non-functional protein.

Ambry Genetics
Classification: Pathogenic for Hereditary cancer-predisposing syndrome. Last evaluated: 2025-01-22. Review status: criteria provided, single submitter. Criteria: Ambry Variant Classification Scheme 2023. Collection method: clinical testing. Allele origin: germline. Not counted in ClinVar's aggregate classification.
Comment: The c.3722_3740del19 pathogenic mutation, located in coding exon 9 of the BRCA1 gene, results from a deletion of 19 nucleotides at nucleotide positions 3722 to 3740, causing a translational frameshift with a predicted alternate stop codon (p.S1241Lfs*17). This variant is considered to be rare based on population cohorts in the Genome Aggregation Database (gnomAD). This alteration is expected to result in loss of function by premature protein truncation or nonsense-mediated mRNA decay. As such, this alteration is interpreted as a disease-causing mutation.

Labcorp Genetics (formerly Invitae), Labcorp
Classification: Pathogenic for Hereditary breast ovarian cancer syndrome. Last evaluated: 2023-09-14. Review status: criteria provided, single submitter. Criteria: Invitae Variant Classification Sherloc (09022015). Collection method: clinical testing. Allele origin: germline. Not counted in ClinVar's aggregate classification.
Comment: For these reasons, this variant has been classified as Pathogenic. ClinVar contains an entry for this variant (Variation ID: 54981). This variant has not been reported in the literature in individuals affected with BRCA1-related conditions. This variant is not present in population databases (gnomAD no frequency). This sequence change creates a premature translational stop signal (p.Ser1241Leufs*17) in the BRCA1 gene. It is expected to result in an absent or disrupted protein product. Loss-of-function variants in BRCA1 are known to be pathogenic (PMID: 20104584).

Quest Diagnostics Nichols Institute San Juan Capistrano
Classification: Likely pathogenic. Last evaluated: 2022-10-14. Review status: criteria provided, single submitter. Criteria: Quest Diagnostics criteria. Collection method: clinical testing. Allele origin: unknown. Not counted in ClinVar's aggregate classification.
Comment: This frameshift variant alters the translational reading frame of the BRCA1 mRNA and is predicted to cause the premature termination of BRCA1 protein synthesis. The variant has not been reported in individuals with BRCA1-related diseases in the published literature. It also has not been reported in large, multi-ethnic general populations. Based on the available information, this variant is classified as likely pathogenic.

Women's Health and Genetics/Laboratory Corporation of America, LabCorp
Classification: Pathogenic for Hereditary breast and ovarian cancer syndrome. Last evaluated: 2019-10-10. Review status: criteria provided, single submitter. Criteria: LabCorp Variant Classification Summary - May 2015. Collection method: clinical testing. Allele origin: germline. Not counted in ClinVar's aggregate classification.
Comment: Variant summary: BRCA1 c.3722_3740delCTACTAGGCATAGCACCGT (c.3722_3740del19) (p.Ser1241LeufsX17) results in a premature termination codon, predicted to cause a truncation of the encoded protein or absence of the protein due to nonsense mediated decay, which are commonly known mechanisms for disease. Truncations downstream of this position have been classified as pathogenic by our laboratory. The variant was absent in 251266 control chromosomes (gnomAD). To our knowledge, no occurrence of c.3722_3740del19 in individuals affected with Hereditary Breast and Ovarian Cancer and no experimental evidence demonstrating its impact on protein function have been reported. Two ClinVar submissions (evaluation after 2014) cites variant as pathogenic. Based on the evidence outlined above, the variant was classified as pathogenic.

Breast Cancer Information Core (BIC) (BRCA1)
Classification: Pathogenic for Breast-ovarian cancer, familial 1. Last evaluated: 2004-02-20. Review status: no assertion criteria provided. Collection method: clinical testing. Allele origin: germline. Affected: yes. Observed: 1 variant allele. Not counted in ClinVar's aggregate classification.

Literature cited by the submitters: PubMed 20104584 (cited by Labcorp Genetics (formerly Invitae), Labcorp).